The following is an entry in ClinVar:

ClinVar aggregate classification (germline): Uncertain significance (1 of 4 stars; one submission).

Conditions:
Kabuki syndrome. Also called: Kabuki make-up syndrome; NIIKAWA-KUROKI SYNDROME. Identifiers: Orphanet 2322, MedGen C0796004, MONDO:0016512.

Submission:

Labcorp Genetics (formerly Invitae), Labcorp
Classification: Uncertain significance for Kabuki syndrome. Last evaluated: 2022-09-18. Review status: criteria provided, single submitter. Criteria: Invitae Variant Classification Sherloc (09022015). Collection method: clinical testing. Allele origin: germline.
Comment: In summary, the available evidence is currently insufficient to determine the role of this variant in disease. Therefore, it has been classified as a Variant of Uncertain Significance. Advanced modeling of protein sequence and biophysical properties (such as structural, functional, and spatial information, amino acid conservation, physicochemical variation, residue mobility, and thermodynamic stability) performed at Invitae indicates that this missense variant is not expected to disrupt KMT2D protein function. This variant has not been reported in the literature in individuals affected with KMT2D-related conditions. This variant is not present in population databases (gnomAD no frequency). This sequence change replaces serine, which is neutral and polar, with proline, which is neutral and non-polar, at codon 708 of the KMT2D protein (p.Ser708Pro).

NM_003482.4(KMT2D):c.2122T>C (p.Ser708Pro)

Gene: KMT2D (lysine methyltransferase 2D; minus strand). Cytogenetic location: 12q13.12.
Variant type: single nucleotide variant.
Coding change: c.2122T>C on transcript NM_003482.4 (MANE Select); coding-DNA position 2122, T replaced by C.
Protein change: p.Ser708Pro; replaces serine 708 with proline.
Molecular consequence: missense variant.
Genome position (GRCh38, 1-based): chr12:49,051,561, A>G on the plus strand (T>C on the coding strand, the complement: KMT2D is on the minus strand). VCF-style: chr12-49051561-A-G. GRCh37 (hg19) VCF-style: chr12-49445344-A-G.
Other names: short protein forms S708P.
Identifiers: ClinVar variation 1719173 (VCV001719173.5), dbSNP rs2120672038, ClinGen allele CA384668402.